The following is an entry in ClinVar:

ClinVar aggregate classification (germline): Uncertain significance. Review status: criteria provided, multiple submitters, no conflicts (2 of 4 stars). 2 submissions from 2 submitters: Uncertain significance (2). Last evaluated 2022-08-09.

Conditions:
Ciliary dyskinesia, primary, 40. Also called: CILIARY DYSKINESIA, PRIMARY, 40, WITH OR WITHOUT SITUS INVERSUS. Identifiers: MedGen C4749028, MONDO:0032664, OMIM 618300.

gnomAD v4.1: 28 of 1,613,950 alleles (0.0017%); highest among the groups gnomAD compares: Admixed American, 0.0067%; no homozygotes.

Submissions (2):

Labcorp Genetics (formerly Invitae), Labcorp
Classification: Uncertain significance. Last evaluated: 2022-08-09. Review status: criteria provided, single submitter. Criteria: Invitae Variant Classification Sherloc (09022015). Collection method: clinical testing. Allele origin: germline.
Comment: This sequence change replaces alanine, which is neutral and non-polar, with threonine, which is neutral and polar, at codon 3630 of the DNAH9 protein (p.Ala3630Thr). This variant is present in population databases (rs62639705, gnomAD 0.009%). This variant has not been reported in the literature in individuals affected with DNAH9-related conditions. Algorithms developed to predict the effect of missense changes on protein structure and function are either unavailable or do not agree on the potential impact of this missense change (SIFT: "Deleterious"; PolyPhen-2: "Probably Damaging"; Align-GVGD: "Class C0"). In summary, the available evidence is currently insufficient to determine the role of this variant in disease. Therefore, it has been classified as a Variant of Uncertain Significance.

Juno Genomics, Hangzhou Juno Genomics, Inc
Classification: Uncertain significance for Ciliary dyskinesia, primary, 40. Review status: criteria provided, single submitter. Criteria: ACMG Guidelines, 2015. Collection method: clinical testing. Allele origin: germline.
Comment: Absent from controls (or at extremely low frequency if recessive) in Genome Aggregation Database.

NM_001372.4(DNAH9):c.10888G>A (p.Ala3630Thr)

Genes: DNAH9 (dynein axonemal heavy chain 9; plus strand), LOC101928350 (uncharacterized LOC101928350; minus strand). Cytogenetic location: 17p12.
Variant type: single nucleotide variant.
Coding change: c.10888G>A on transcript NM_001372.4 (MANE Select); coding-DNA position 10888, G replaced by A.
Protein change: p.Ala3630Thr; replaces alanine 3630 with threonine.
Molecular consequence: missense variant. On other transcripts: 5 prime UTR variant (1).
Genome position (GRCh38, 1-based): chr17:11,883,667, G>A. VCF-style: chr17-11883667-G-A. GRCh37 (hg19) VCF-style: chr17-11786984-G-A.
Other names: c.-177G>A (NM_004662.2); short protein forms A3630T.
Identifiers: ClinVar variation 2175072 (VCV002175072.3), dbSNP rs62639705, ClinGen allele CA8397670.